The following is an entry in ClinVar:

ClinVar aggregate classification (germline): Benign/Likely benign. Review status: criteria provided, multiple submitters, no conflicts (2 of 4 stars). 4 submissions from 4 submitters: Benign (2); Likely benign (1). 1 of the submissions does not count toward it. Last evaluated 2025-12-01.

Conditions:
TRPV3-related disorder. Also called: TRPV3-related condition.
Isolated focal non-epidermolytic palmoplantar keratoderma. Also called: Palmoplantar keratoderma, nonepidermolytic, focal 2. Identifiers: Orphanet 448264, MedGen C4225339, MONDO:0014622, OMIM 616400.

Allele frequency attached by ClinVar (database versions not stated): gnomAD exomes 0.00309; 1000 Genomes Project 0.00060; 1000 Genomes Project 30x 0.00078; TOPMed 0.00187; gnomAD 0.00208 and 0.00212; ESP Exome Variant Server 0.00269.
gnomAD v4.1: 4,793 of 1,614,102 alleles (0.3%); highest among the groups gnomAD compares: Non-Finnish European, 0.34%; 11 homozygotes.

Submissions (4):

CeGaT Center for Human Genetics Tuebingen
Classification: Likely benign. Last evaluated: 2025-12-01. Review status: criteria provided, single submitter. Criteria: CeGaT Center For Human Genetics Tuebingen Variant Classification Criteria Version 2. Collection method: clinical testing. Allele origin: germline. Affected: yes. Observed: 1 variant allele.
Comment: TRPV3: BP4, BP7

Labcorp Genetics (formerly Invitae), Labcorp
Classification: Benign. Last evaluated: 2025-11-25. Review status: criteria provided, single submitter. Criteria: Invitae Variant Classification Sherloc (09022015). Collection method: clinical testing. Allele origin: germline.

Illumina Laboratory Services, Illumina
Classification: Benign for Isolated focal non-epidermolytic palmoplantar keratoderma. Last evaluated: 2018-01-13. Review status: criteria provided, single submitter. Criteria: ICSL Variant Classification Criteria 13 December 2019. Collection method: clinical testing. Allele origin: germline.
Comment: This variant was observed in the ICSL laboratory as part of a predisposition screen in an ostensibly healthy population. It had not been previously curated by ICSL or reported in the Human Gene Mutation Database (HGMD: prior to June 1st, 2018), and was therefore a candidate for classification through an automated scoring system. Utilizing variant allele frequency, disease prevalence and penetrance estimates, and inheritance mode, an automated score was calculated to assess if this variant is too frequent to cause the disease. Based on the score and internal cut-off values, a variant classified as benign is not then subjected to further curation. The score for this variant resulted in a classification of benign for this disease.

PreventionGenetics, part of Exact Sciences
Classification: Benign for TRPV3-related condition. Last evaluated: 2019-12-05. Review status: no assertion criteria provided. Collection method: clinical testing. Allele origin: germline. Not counted in ClinVar's aggregate classification.
Comment: This variant is classified as benign based on ACMG/AMP sequence variant interpretation guidelines (Richards et al. 2015 PMID: 25741868, with internal and published modifications).

NM_145068.4(TRPV3):c.2358G>T (p.Pro786=)

Gene: TRPV3 (transient receptor potential cation channel subfamily V member 3; minus strand). Cytogenetic location: 17p13.2.
Variant type: single nucleotide variant.
Coding change: c.2358G>T on transcript NM_145068.4 (MANE Select); coding-DNA position 2358, G replaced by T.
Protein change: p.Pro786=; no amino-acid change (proline 786 retained).
Molecular consequence: synonymous variant.
Genome position (GRCh38, 1-based): chr17:3,513,932, C>A on the plus strand (G>T on the coding strand, the complement: TRPV3 is on the minus strand). VCF-style: chr17-3513932-C-A. GRCh37 (hg19) VCF-style: chr17-3417226-C-A.
Other names: c.2361G>T, p.Pro787= (NM_001258205.2).
Identifiers: ClinVar variation 322751 (VCV000322751.16), dbSNP rs75372730, ClinGen allele CA8289100.
Genomic context (GRCh38, chr17:3,513,932, plus strand): 5'-GCAGCGCCAGACAGCGCACGCGCACACCAGCTCTGGGTTCCGCTTCTACACCGAGGTTTC[C>A]GGGAATTCCTCGACTTCTTCAAATGCATTGAGAGTGGTTTTGCTGTTGTTCCTGGAAGAA-3'
Protein context (NP_659505.1, residues 776-790): LNAFEEVEEF[Pro786=]ETSV